The following is an entry in ClinVar:

ClinVar aggregate classification (germline): Uncertain significance (1 of 4 stars; one submission).

Conditions:
Combined immunodeficiency with skin granulomas. Identifiers: Orphanet 157949, MedGen C2673536, MONDO:0009306, OMIM 233650.
Severe combined immunodeficiency, autosomal recessive, T cell-negative, B cell-negative, NK cell-positive. Also called: SCID, T CELL-NEGATIVE, B CELL-NEGATIVE, NK CELL-POSITIVE; Severe combined immunodeficiency due to complete RAG1/2 deficiency; SCID, AR, T-cell negative, B-cell negative, NK cell-positive. Identifiers: Orphanet 331206, MedGen C1832322, MONDO:0011086, OMIM 601457.

Allele frequency attached by ClinVar (database versions not stated): gnomAD 0.00001; gnomAD exomes 0.00001; TOPMed 0.00002.
gnomAD v4.1: 14 of 1,614,060 alleles (0.00087%); highest among the groups gnomAD compares: Non-Finnish European, 0.0012%; no homozygotes.

Submission:

Labcorp Genetics (formerly Invitae), Labcorp
Classification: Uncertain significance for Combined immunodeficiency with skin granulomas; Severe combined immunodeficiency, autosomal recessive, T cell-negative, B cell-negative, NK cell-positive. Last evaluated: 2021-09-24. Review status: criteria provided, single submitter. Criteria: Invitae Variant Classification Sherloc (09022015). Collection method: clinical testing. Allele origin: germline.
Comment: This sequence change replaces aspartic acid with alanine at codon 867 of the RAG1 protein (p.Asp867Ala). The aspartic acid residue is moderately conserved and there is a moderate physicochemical difference between aspartic acid and alanine. This variant is not present in population databases (ExAC no frequency). This variant has not been reported in the literature in individuals with RAG1-related conditions. Algorithms developed to predict the effect of missense changes on protein structure and function are either unavailable or do not agree on the potential impact of this missense change (SIFT: "Deleterious"; PolyPhen-2: "Benign"; Align-GVGD: "Class C0"). In summary, the available evidence is currently insufficient to determine the role of this variant in disease. Therefore, it has been classified as a Variant of Uncertain Significance.

NM_000448.3(RAG1):c.2600A>C (p.Asp867Ala)

Gene: RAG1 (recombination activating 1; plus strand). Cytogenetic location: 11p12.
Variant type: single nucleotide variant.
Coding change: c.2600A>C on transcript NM_000448.3 (MANE Select); coding-DNA position 2600, A replaced by C.
Protein change: p.Asp867Ala; replaces aspartic acid 867 with alanine.
Molecular consequence: missense variant.
Genome position (GRCh38, 1-based): chr11:36,575,904, A>C. VCF-style: chr11-36575904-A-C. GRCh37 (hg19) VCF-style: chr11-36597454-A-C.
Other names: c.2600A>C, p.Asp867Ala (NM_001377277.1, NM_001377278.1, NM_001377279.1 and 1 more transcripts); short protein forms D867A.
Identifiers: ClinVar variation 1510182 (VCV001510182.5), dbSNP rs970428951, ClinGen allele CA220601673.